The following is an entry in ClinVar:

ClinVar aggregate classification (germline): Pathogenic (0 of 4 stars; one submission).

Conditions:
Fanconi anemia complementation group A (FANCA). Also called: Fanconi anemia, group A; FANCA-Related Fanconi Anemia. Identifiers: Orphanet 84, MedGen C3469521, MONDO:0009215, OMIM 227650.

Submission:

Leiden Open Variation Database
Classification: Pathogenic for Fanconi anemia complementation group A. Last evaluated: 2020-02-28. Review status: no assertion criteria provided. Collection method: curation. Allele origin: germline. Affected: yes.
Comment: Curator: Arleen D. Auerbach. Submitter to LOVD: Daniela Pilonetto.

NM_000135.4(FANCA):c.3166_3185dup (p.Gly1062_Trp1063insSerArgLeuTer)

Gene: FANCA (FA complementation group A; minus strand). Cytogenetic location: 16q24.3.
Variant type: Duplication.
Coding change: c.3166_3185dup on transcript NM_000135.4 (MANE Select); coding-DNA positions 3166 to 3185, 20 bases duplicated (CTCCAGGCTCTGACAAGCGG).
Protein change: p.Gly1062_Trp1063insSerArgLeuTer.
Molecular consequence: nonsense, inframe insertion.
Genome position (GRCh38, 1-based): chr16:89,749,784-89,749,803, CCGCTTGTCAGAGCCTGGAG duplicated on the plus strand (CTCCAGGCTCTGACAAGCGG on the coding strand, the reverse complement: FANCA is on the minus strand); duplicating any 20 consecutive bases within chr16:89,749,784-89,749,806 gives the same sequence; the c. name uses the placement nearest the transcript's 3' end. VCF-style (leftmost placement, unchanged base first): chr16-89749783-C-CCCGCTTGTCAGAGCCTGGAG. GRCh37 (hg19) VCF-style: chr16-89816191-C-CCCGCTTGTCAGAGCCTGGAG.
Other names: c.3166_3185dup, p.Gly1062_Trp1063insSerArgLeuTer (NM_001286167.3).
Identifiers: ClinVar variation 974258 (VCV000974258.1), dbSNP rs2038517512, ClinGen allele CA1139665035.